The following is an entry in ClinVar:

ClinVar aggregate classification (germline): Likely pathogenic (1 of 4 stars; one submission).

Conditions:
Familial cancer of breast. Also called: hereditary breast carcinoma; Hereditary breast cancer; BREAST CANCER, FAMILIAL. Identifiers: Orphanet 227535, MedGen C0346153, MONDO:0016419, OMIM 114480. Disease mechanism: loss of function.

Submission:

Labcorp Genetics (formerly Invitae), Labcorp
Classification: Likely pathogenic for Familial cancer of breast. Last evaluated: 2021-10-02. Review status: criteria provided, single submitter. Criteria: Invitae Variant Classification Sherloc (09022015). Collection method: clinical testing. Allele origin: germline.
Comment: This variant has not been reported in the literature in individuals affected with CHEK2-related conditions. This variant is not present in population databases (ExAC no frequency). This sequence change affects a donor splice site in intron 10 of the CHEK2 gene. It is expected to disrupt RNA splicing. Variants that disrupt the donor or acceptor splice site typically lead to a loss of protein function (PMID: 16199547), and loss-of-function variants in CHEK2 are known to be pathogenic (PMID: 21876083, 24713400). Algorithms developed to predict the effect of sequence changes on RNA splicing suggest that this variant may disrupt the consensus splice site. In summary, the currently available evidence indicates that the variant is pathogenic, but additional data are needed to prove that conclusively. Therefore, this variant has been classified as Likely Pathogenic.

Literature cited by the submitters: PubMed 16199547; PubMed 21876083; PubMed 24713400.

NM_007194.4(CHEK2):c.1095+2T>A

Gene: CHEK2 (checkpoint kinase 2; minus strand). Cytogenetic location: 22q12.1.
Variant type: single nucleotide variant.
Coding change: c.1095+2T>A on transcript NM_007194.4 (MANE Select); the canonical splice donor site of the intron after coding-DNA position 1095, T replaced by A.
Molecular consequence: splice donor variant. On other transcripts: intron variant (3).
Genome position (GRCh38, 1-based): chr22:28,696,899, A>T on the plus strand (T>A on the coding strand, the complement: CHEK2 is on the minus strand). VCF-style: chr22-28696899-A-T. GRCh37 (hg19) VCF-style: chr22-29092887-A-T.
Other names: c.432+2T>A (NM_001437942.1, NM_001257387.3); c.894+2T>A (NM_001349956.3); c.1009-1026T>A (NM_145862.3); c.1102-1026T>A (NM_001438295.1); c.1188+2T>A (NM_001438293.1); c.1138-1026T>A (NM_001438294.1); c.1224+2T>A (NM_001005735.3).
Identifiers: ClinVar variation 1347501 (VCV001347501.7), dbSNP rs1569115687, ClinGen allele CA411097399.
Genomic context (GRCh38, chr22:28,696,899, plus strand): 5'-AATTAAAAGTTTCTGAACAAGAATCTACAGGAATAGCCACATACAGAATGCCAATTTCTT[A>T]CCTTTATAAGACAGTCCTCTTCTTGAGATGACAGTAAAACATTCTCTGGCTTTAAGTCAC-3'